The following is an entry in ClinVar:

ClinVar aggregate classification (germline): Pathogenic/Likely pathogenic. Review status: criteria provided, multiple submitters, no conflicts (2 of 4 stars). 3 submissions from 3 submitters: Pathogenic (1); Likely pathogenic (2). Last evaluated 2023-06-08.

Conditions:
TBX5-related disorder. Also called: TBX5-related condition.
Aortic valve disease 2 (AOVD2). Identifiers: MedGen C3542024, MONDO:0013902, OMIM 614823.
Holt-Oram syndrome (HOS). Also called: Ventriculo-radial syndrome; Cardiac-limb syndrome; Heart-hand syndrome, type 1; TBX5-Related Holt-Oram Syndrome. Identifiers: Orphanet 392, MedGen C0265264, MONDO:0007732, OMIM 142900.

Submissions (3):

Blueprint Genetics
Classification: Likely pathogenic for TBX5-related disorders. Last evaluated: 2023-06-08. Review status: criteria provided, single submitter. Criteria: ACMG Guidelines, 2015. Collection method: clinical testing. Allele origin: germline. Affected: yes. Observed: 1 variant allele.

Labcorp Genetics (formerly Invitae), Labcorp
Classification: Likely pathogenic for Aortic valve disease 2. Last evaluated: 2019-11-04. Review status: criteria provided, single submitter. Criteria: Invitae Variant Classification Sherloc (09022015). Collection method: clinical testing. Allele origin: germline.
Comment: This variant is not present in population databases (ExAC no frequency). This sequence change affects an acceptor splice site in intron 7 of the TBX5 gene. It is expected to disrupt RNA splicing and likely results in an absent or disrupted protein product. This variant has been observed in individual(s) with clinical features of Holt-Oram syndrome (Invitae). Algorithms developed to predict the effect of sequence changes on RNA splicing suggest that this variant may disrupt the consensus splice site, but this prediction has not been confirmed by published transcriptional studies. Donor and acceptor splice site variants typically lead to a loss of protein function (PMID: 16199547), and loss-of-function variants in TBX5 are known to be pathogenic (PMID: 16183809, 16917909). In summary, the currently available evidence indicates that the variant is pathogenic, but additional data are needed to prove that conclusively. Therefore, this variant has been classified as Likely Pathogenic.

Illumina Laboratory Services, Illumina
Classification: Pathogenic for Holt-Oram syndrome. Last evaluated: 2019-04-15. Review status: criteria provided, single submitter. Criteria: ICSLVariantClassificationCriteria RUGD 01 April 2020. Collection method: clinical testing. Allele origin: unknown.
Comment: The TBX5 c.756-2A>G variant occurs in a canonical splice site (acceptor) and is therefore predicted to disrupt or distort the normal gene product. A literature search was performed for the gene and cDNA change. No publications were found based on this search. This variant is not found in the Genome Aggregation Database in a region of good sequence coverage, so the variant is presumed to be rare. Based on the potential impact of splice acceptor site variants, its rarity and application of the ACMG criteria, the c.756-2A>G variant is classified as pathogenic for Holt-Oram syndrome.

Literature cited by the submitters: PubMed 16199547 (cited by Labcorp Genetics (formerly Invitae), Labcorp); PubMed 16183809 (cited by Labcorp Genetics (formerly Invitae), Labcorp); PubMed 16917909 (cited by Labcorp Genetics (formerly Invitae), Labcorp).

NM_181486.4(TBX5):c.756-2A>G

Gene: TBX5 (T-box transcription factor 5; minus strand). Cytogenetic location: 12q24.21.
Variant type: single nucleotide variant.
Coding change: c.756-2A>G on transcript NM_181486.4 (MANE Select); the canonical splice acceptor site of the intron before coding-DNA position 756, A replaced by G.
Molecular consequence: splice acceptor variant.
Genome position (GRCh38, 1-based): chr12:114,366,393, T>C on the plus strand (A>G on the coding strand, the complement: TBX5 is on the minus strand). VCF-style: chr12-114366393-T-C. GRCh37 (hg19) VCF-style: chr12-114804198-T-C.
Other names: c.606-2A>G (NM_080717.4); c.756-2A>G (NM_000192.3).
Identifiers: ClinVar variation 956448 (VCV000956448.14), dbSNP rs1869545659, ClinGen allele CA386926703.